The following is an entry in ClinVar:

NM_006949.4(STXBP2):c.246+1G>T

Gene: STXBP2 (syntaxin binding protein 2; plus strand). Cytogenetic location: 19p13.2.
Variant type: single nucleotide variant.
Coding change: c.246+1G>T on transcript NM_006949.4 (MANE Select); the canonical splice donor site of the intron after coding-DNA position 246, G replaced by T.
Molecular consequence: splice donor variant.
Genome position (GRCh38, 1-based): chr19:7,639,808, G>T. VCF-style: chr19-7639808-G-T. GRCh37 (hg19) VCF-style: chr19-7704694-G-T.
Other names: c.150+1G>T (NM_001414484.1); c.246+1G>T (NM_001272034.2, NM_001127396.3).
Identifiers: ClinVar variation 2817210 (VCV002817210.3), dbSNP rs2146208184, ClinGen allele CA403155644.

ClinVar aggregate classification (germline): Likely pathogenic (1 of 4 stars; one submission).

Conditions:
Familial hemophagocytic lymphohistiocytosis 5. Also called: STXBP2-Related Familial Hemophagocytic Lymphohistiocytosis (STXBP2-fHLH). Identifiers: Orphanet 540, MedGen C2751293, MONDO:0013135, OMIM 613101.

Allele frequency attached by ClinVar (database versions not stated): gnomAD exomes below 0.00001.
gnomAD v4.1: 1 of 1,613,924 alleles (0.000062%); highest among the groups gnomAD compares: Non-Finnish European, 0.000085%; no homozygotes.

Submission:

Labcorp Genetics (formerly Invitae), Labcorp
Classification: Likely pathogenic for Familial hemophagocytic lymphohistiocytosis 5. Last evaluated: 2022-11-29. Review status: criteria provided, single submitter. Criteria: Invitae Variant Classification Sherloc (09022015). Collection method: clinical testing. Allele origin: germline.
Comment: This sequence change affects a donor splice site in intron 4 of the STXBP2 gene. It is expected to disrupt RNA splicing. Variants that disrupt the donor or acceptor splice site typically lead to a loss of protein function (PMID: 16199547), and loss-of-function variants in STXBP2 are known to be pathogenic (PMID: 19804848, 22451424). In summary, the currently available evidence indicates that the variant is pathogenic, but additional data are needed to prove that conclusively. Therefore, this variant has been classified as Likely Pathogenic. Algorithms developed to predict the effect of sequence changes on RNA splicing suggest that this variant may disrupt the consensus splice site. This variant has not been reported in the literature in individuals affected with STXBP2-related conditions. This variant is not present in population databases (gnomAD no frequency).

Literature cited by the submitters: PubMed 16199547; PubMed 19804848; PubMed 22451424.